The following is an entry in ClinVar:

NM_000287.4(PEX6):c.2364G>A (p.Val788=)

Gene: PEX6 (peroxisomal biogenesis factor 6; minus strand). Cytogenetic location: 6p21.1.
Variant type: single nucleotide variant.
Coding change: c.2364G>A on transcript NM_000287.4 (MANE Select); coding-DNA position 2364, G replaced by A.
Protein change: p.Val788=; no amino-acid change (valine 788 retained).
Molecular consequence: synonymous variant. On other transcripts: non-coding transcript variant (1).
Genome position (GRCh38, 1-based): chr6:42,965,788, C>T on the plus strand (G>A on the coding strand, the complement: PEX6 is on the minus strand). VCF-style: chr6-42965788-C-T. GRCh37 (hg19) VCF-style: chr6-42933526-C-T.
Other names: c.2100G>A, p.Val700= (NM_001316313.2).
Identifiers: ClinVar variation 92785 (VCV000092785.25), dbSNP rs2274515, ClinGen allele CA146006.

ClinVar aggregate classification (germline): Benign. Review status: criteria provided, multiple submitters, no conflicts (2 of 4 stars). 12 submissions from 10 submitters: Benign (10). 2 of the submissions do not count toward it. Last evaluated 2026-02-04.

Conditions:
Peroxisome biogenesis disorder 4B (PBD4B). Also called: SPINOCEREBELLAR ATAXIA WITH BLINDNESS AND DEAFNESS 1. Identifiers: Orphanet 44, Orphanet 95433, MedGen C3553937, MONDO:0013931, OMIM 614863.
Peroxisome biogenesis disorder 4A (Zellweger) (PBD4A). Also called: Zellweger syndrome spectrum (PEX6-related). Identifiers: Orphanet 912, MedGen C3553936, MONDO:0013930, OMIM 614862. Disease mechanism: loss of function.
Peroxisome biogenesis disorder. Identifiers: Orphanet 79189, MedGen C1832200, MONDO:0019234. Disease mechanism: loss of function.
Zellweger spectrum disorders (ZS). Also called: Zellweger syndrome; Zellweger Spectrum Disorder; Zellweger Spectrum; Zellweger Spectrum Disorder (ZSD). Identifiers: Orphanet 912, MedGen C0043459, MONDO:0019609.
Heimler syndrome 2 (HMLR2). Also called: PEROXISOME BIOGENESIS DISORDER 4C. Identifiers: Orphanet 3220, MedGen C4225267, OMIM 616617, MONDO:0014709.

Allele frequency attached by ClinVar (database versions not stated): ESP Exome Variant Server 0.04875; gnomAD exomes 0.06133 and 0.09009; gnomAD 0.06152 and 0.06625; TOPMed 0.07224; ExAC 0.08642; 1000 Genomes Project 30x 0.10712; 1000 Genomes Project 0.10962.
gnomAD v4.1: 100,172 of 1,612,834 alleles (6.2%); highest among the groups gnomAD compares: Admixed American, 19%; 4,649 homozygotes.

Submissions (12):

Labcorp Genetics (formerly Invitae), Labcorp
Classification: Benign for Peroxisome biogenesis disorder. Last evaluated: 2026-02-04. Review status: criteria provided, single submitter. Criteria: Invitae Variant Classification Sherloc (09022015). Collection method: clinical testing. Allele origin: germline.

Blueprint Genetics
Classification: Benign. Last evaluated: 2024-11-27. Review status: criteria provided, single submitter. Criteria: ACMG Guidelines, 2015. Collection method: clinical testing. Allele origin: germline.

Genome-Nilou Lab
Classification: Benign for Heimler syndrome 2. Last evaluated: 2021-07-10. Review status: criteria provided, single submitter. Criteria: ACMG Guidelines, 2015. Collection method: clinical testing. Allele origin: germline. Affected: no.

Genome-Nilou Lab
Classification: Benign for Peroxisome biogenesis disorder 4A (Zellweger). Last evaluated: 2021-07-10. Review status: criteria provided, single submitter. Criteria: ACMG Guidelines, 2015. Collection method: clinical testing. Allele origin: germline. Affected: no.

Genome-Nilou Lab
Classification: Benign for Peroxisome biogenesis disorder 4B. Last evaluated: 2021-07-10. Review status: criteria provided, single submitter. Criteria: ACMG Guidelines, 2015. Collection method: clinical testing. Allele origin: germline. Affected: no.

GeneDx
Classification: Benign. Last evaluated: 2018-06-13. Review status: criteria provided, single submitter. Criteria: GeneDx Variant Classification (06012015). Collection method: clinical testing. Allele origin: germline. Affected: yes.
Comment: This variant is considered likely benign or benign based on one or more of the following criteria: it is a conservative change, it occurs at a poorly conserved position in the protein, it is predicted to be benign by multiple in silico algorithms, and/or has population frequency not consistent with disease.

Women's Health and Genetics/Laboratory Corporation of America, LabCorp
Classification: Benign. Last evaluated: 2018-04-06. Review status: criteria provided, single submitter. Criteria: LabCorp Variant Classification Summary - May 2015. Collection method: clinical testing. Allele origin: germline.
Comment: Variant summary: Variant c.2364G>A (p.Val788Val) affects a non-conserved neucleotide resulting a synonymous change in the ATPase, AAA-type, core domain of the encoded protein. 5/5 computational tools predict no significant impact on normal splicing. However, these predictions have yet to be confirmed by functional studies. The variant allele was found at a frequency of 0.086 in 276948 control chromosomes in the gnomAD database, including 1712 homozygotes. The observed variant frequency is approximately 44.65 fold of the estimated maximal expected allele frequency for a pathogenic variant in PEX6 causing Zellweger Syndrome phenotype (0.0019), strongly suggesting that the variant is benign. c.2364G>A has been reported in the literature in individuals affected with Zellweger Syndrome and authors listed variant as SNP and neutral (Yik_2009). To our knowledge, no experimental evidence demonstrating an impact on protein function has been reported. Multiple clinical diagnostic laboratory has submitted clinical-significance assessments for this variant to ClinVar and classified the variant as benign (2 labs)/likely benign (1 lab). Based on the evidence outlined above, the variant was classified as benign.

Illumina Laboratory Services, Illumina
Classification: Benign for Peroxisome biogenesis disorder 4A (Zellweger). Last evaluated: 2018-01-12. Review status: criteria provided, single submitter. Criteria: ICSL Variant Classification Criteria 13 December 2019. Collection method: clinical testing. Allele origin: germline.
Comment: This variant was observed in the ICSL laboratory as part of a predisposition screen in an ostensibly healthy population. It had not been previously curated by ICSL or reported in the Human Gene Mutation Database (HGMD: prior to June 1st, 2018), and was therefore a candidate for classification through an automated scoring system. Utilizing variant allele frequency, disease prevalence and penetrance estimates, and inheritance mode, an automated score was calculated to assess if this variant is too frequent to cause the disease. Based on the score and internal cut-off values, a variant classified as benign is not then subjected to further curation. The score for this variant resulted in a classification of benign for this disease.

Eurofins Ntd Llc (ga)
Classification: Benign. Last evaluated: 2013-07-30. Review status: criteria provided, single submitter. Criteria: EGL Classification Definitions 2015. Collection method: clinical testing. Allele origin: germline. Observed: 1 variant allele, 1 heterozygote.

PreventionGenetics, part of Exact Sciences
Classification: Benign. Review status: criteria provided, single submitter. Criteria: ACMG Guidelines, 2015. Collection method: clinical testing. Allele origin: germline.

Natera, Inc.
Classification: Benign for Zellweger syndrome. Last evaluated: 2020-09-16. Review status: no assertion criteria provided. Collection method: clinical testing. Allele origin: germline. Not counted in ClinVar's aggregate classification.

Mayo Clinic Laboratories, Mayo Clinic
Classification: Benign. Last evaluated: 2015-10-23. Review status: no assertion criteria provided. Collection method: clinical testing. Allele origin: unknown. Not counted in ClinVar's aggregate classification.

Literature cited by the submitters: PubMed 19105186 (cited by Women's Health and Genetics/Laboratory Corporation of America, LabCorp).